The following is an entry in ClinVar:

ClinVar aggregate classification (germline): Uncertain significance. Review status: criteria provided, multiple submitters, no conflicts (2 of 4 stars). 2 submissions from 2 submitters: Uncertain significance (2). Last evaluated 2023-04-07.

Submissions (2):

Ambry Genetics
Classification: Uncertain significance. Last evaluated: 2023-04-07. Review status: criteria provided, single submitter. Criteria: Ambry Variant Classification Scheme 2023. Collection method: clinical testing. Allele origin: germline.

Labcorp Genetics (formerly Invitae), Labcorp
Classification: Uncertain significance. Last evaluated: 2022-09-15. Review status: criteria provided, single submitter. Criteria: Invitae Variant Classification Sherloc (09022015). Collection method: clinical testing. Allele origin: germline.
Comment: This sequence change replaces glycine, which is neutral and non-polar, with cysteine, which is neutral and slightly polar, at codon 122 of the RPL15 protein (p.Gly122Cys). In summary, the available evidence is currently insufficient to determine the role of this variant in disease. Therefore, it has been classified as a Variant of Uncertain Significance. Algorithms developed to predict the effect of missense changes on protein structure and function are either unavailable or do not agree on the potential impact of this missense change (SIFT: "Deleterious"; PolyPhen-2: "Possibly Damaging"; Align-GVGD: "Class C15"). This variant has not been reported in the literature in individuals affected with RPL15-related conditions. This variant is not present in population databases (gnomAD no frequency).

NM_002948.5(RPL15):c.364G>T (p.Gly122Cys)

Genes: NKIRAS1 (NFKB inhibitor interacting Ras like 1; minus strand), RPL15 (ribosomal protein L15; plus strand). Cytogenetic location: 3p24.2.
Variant type: single nucleotide variant.
Coding change: c.364G>T on transcript NM_002948.5 (MANE Select); coding-DNA position 364, G replaced by T.
Protein change: p.Gly122Cys; replaces glycine 122 with cysteine.
Molecular consequence: missense variant. On other transcripts: intron variant (2).
Genome position (GRCh38, 1-based): chr3:23,919,250, G>T. VCF-style: chr3-23919250-G-T. GRCh37 (hg19) VCF-style: chr3-23960741-G-T.
Other names: c.364G>T, p.Gly122Cys (NM_001253379.2, NM_001253380.2, NM_001253382.2 and 1 more transcripts); c.-139-7800C>A (NM_001377380.1); c.360+4G>T (NM_001253384.2); short protein forms G122C.
Identifiers: ClinVar variation 2191924 (VCV002191924.5), dbSNP rs2471230576, ClinGen allele CA351882059.
Genomic context (GRCh38, chr3:23,919,250, plus strand): 5'-TTCTAGGAGCGAGCTGGACGCCACTGTGGGGCTCTGAGAGTCCTGAATTCTTACTGGGTT[G>T]GTGAAGATTCCACATACAAATTTTTTGAGGTTATCCTCATTGATCCATTCCATAAAGCTA-3'
Protein context (NP_002939.2, residues 112-132): ALRVLNSYWV[Gly122Cys]EDSTYKFFEV